The following is an entry in ClinVar:

NM_006231.4(POLE):c.1359+3A>T

Gene: POLE (DNA polymerase epsilon, catalytic subunit; minus strand). Cytogenetic location: 12q24.33.
Variant type: single nucleotide variant.
Coding change: c.1359+3A>T on transcript NM_006231.4 (MANE Select); 3 bases into the intron after coding-DNA position 1359, A replaced by T.
Molecular consequence: intron variant.
Genome position (GRCh38, 1-based): chr12:132,673,572, T>A on the plus strand (A>T on the coding strand, the complement: POLE is on the minus strand). VCF-style: chr12-132673572-T-A. GRCh37 (hg19) VCF-style: chr12-133250158-T-A.
Identifiers: ClinVar variation 4718650 (VCV004718650.1).
Genomic context (GRCh38, chr12:132,673,572, plus strand): 5'-GCTCCGTGGCCATCTGGATGCGTGCACACGGCAGCAGGGGCAGCCGGGATGTGGCTTACG[T>A]GCCTGGGGCTGCTCCGTGGCCATCCGGCACATGTCCTCCGGGTCTAGCTCCACGGGATCA-3'

ClinVar aggregate classification (germline): Uncertain significance (1 of 4 stars; one submission).

Submission:

Labcorp Genetics (formerly Invitae), Labcorp
Classification: Uncertain significance. Last evaluated: 2025-04-30. Review status: criteria provided, single submitter. Criteria: Invitae Variant Classification Sherloc (09022015). Collection method: clinical testing. Allele origin: germline.
Comment: This sequence change falls in intron 13 of the POLE gene. It does not directly change the encoded amino acid sequence of the POLE protein. RNA analysis indicates that this variant induces altered splicing and may result in an absent or altered protein product. This variant is not present in population databases (gnomAD no frequency). This variant has not been reported in the literature in individuals affected with POLE-related conditions. Variants that disrupt the consensus splice site are a relatively common cause of aberrant splicing (PMID: 17576681, 9536098). Studies have shown that this variant results in activation of a cryptic splice site, and produces a non-functional protein and/or introduces a premature termination codon (internal data). In summary, the available evidence is currently insufficient to determine the role of this variant in disease. Therefore, it has been classified as a Variant of Uncertain Significance.

Literature cited by the submitters: PubMed 17576681; PubMed 9536098.